The following is an entry in ClinVar:

NM_024675.4(PALB2):c.298del (p.Asp101fs)

Gene: PALB2 (partner and localizer of BRCA2; minus strand). Cytogenetic location: 16p12.2.
Variant type: Deletion.
Coding change: c.298del on transcript NM_024675.4 (MANE Select); coding-DNA position 298, one base deleted (C; older notation c.298delC).
Protein change: p.Asp101fs; shifts the reading frame from aspartic acid 101.
Molecular consequence: frameshift variant. On other transcripts: 5 prime UTR variant (8), intron variant (3).
Genome position (GRCh38, 1-based): chr16:23,636,248, G deleted on the plus strand (C on the coding strand, the reverse complement: PALB2 is on the minus strand). VCF-style (leftmost placement, unchanged base first): chr16-23636247-AG-A. GRCh37 (hg19) VCF-style: chr16-23647568-AG-A.
Other names: c.238del, p.Asp81fs (NM_001407296.1); c.298del, p.Asp101fs (NM_001407297.1, NM_001407298.1, NM_001407299.1 and 3 more transcripts); c.-588del (NM_001407304.1, NM_001407305.1, NM_001407306.1 and 5 more transcripts); c.48+4862del (NM_001407314.1); c.-105+4862del (NM_001407313.1, NM_001407312.1); short protein forms D101fs, D81fs.
Identifiers: ClinVar variation 2674064 (VCV002674064.1), dbSNP rs1967056795, ClinGen allele CA2213432362.
Genomic context (GRCh38, chr16:23,636,247, plus strand): 5'-CTTTGTATAGGTAATCCTCCTGGGCCATCTCCAGGGTTAAAGGACTCAGGCCCAACATCA[AG>A]TGTGATAGATGTCTTTTCTCCAGTTTCTTCATCAAGATGGGTTTTGATGTGTAACTTGTC-3'

ClinVar aggregate classification (germline): Pathogenic (1 of 4 stars; one submission).

Conditions:
Familial cancer of breast. Also called: Hereditary breast cancer; BREAST CANCER, FAMILIAL; hereditary breast carcinoma. Identifiers: Orphanet 227535, MedGen C0346153, MONDO:0016419, OMIM 114480. Disease mechanism: loss of function.

Submission:

Myriad Genetics, Inc.
Classification: Pathogenic for Familial cancer of breast. Last evaluated: 2023-09-06. Review status: criteria provided, single submitter. Criteria: Myriad Autosomal Dominant, Autosomal Recessive and X-Linked Classification Criteria (2023). Collection method: clinical testing. Allele origin: unknown.
Comment: This variant is considered pathogenic. This variant creates a frameshift predicted to result in premature protein truncation.